The following is an entry in ClinVar:

NM_014956.5(CEP164):c.1493C>T (p.Pro498Leu)

Gene: CEP164 (centrosomal protein 164; plus strand). Cytogenetic location: 11q23.3.
Variant type: single nucleotide variant.
Coding change: c.1493C>T on transcript NM_014956.5 (MANE Select); coding-DNA position 1493, C replaced by T.
Protein change: p.Pro498Leu; replaces proline 498 with leucine.
Molecular consequence: missense variant.
Genome position (GRCh38, 1-based): chr11:117,381,784, C>T. VCF-style: chr11-117381784-C-T. GRCh37 (hg19) VCF-style: chr11-117252500-C-T.
Other names: c.1502C>T, p.Pro501Leu (NM_001271933.2); short protein forms P498L, P501L.
Identifiers: ClinVar variation 934273 (VCV000934273.9), dbSNP rs773140295, ClinGen allele CA6294778.

ClinVar aggregate classification (germline): Uncertain significance. Review status: criteria provided, multiple submitters, no conflicts (2 of 4 stars). 3 submissions from 3 submitters: Uncertain significance (3). Last evaluated 2026-03-10.

Conditions:
CEP164-related disorder. Also called: CEP164-related condition.
Nephronophthisis 15 (NPHP15). Identifiers: Orphanet 3156, MedGen C3541853, MONDO:0013917, OMIM 614845.

Allele frequency attached by ClinVar (database versions not stated): gnomAD 0.00002; gnomAD exomes 0.00006 and 0.00014; TOPMed 0.00006; ExAC 0.00024.
gnomAD v4.1: 35 of 1,589,932 alleles (0.0022%); highest among the groups gnomAD compares: Admixed American, 0.058%; no homozygotes.

Submissions (3):

PreventionGenetics, part of Exact Sciences
Classification: Uncertain significance for CEP164-related condition. Last evaluated: 2026-03-10. Review status: criteria provided, single submitter. Criteria: ACMG Guidelines, 2015. Collection method: clinical testing. Allele origin: germline.
Comment: The CEP164 c.1493C>T variant is predicted to result in the amino acid substitution p.Pro498Leu. To our knowledge, this variant has not been reported in the literature. This variant is reported in 0.089% of alleles in individuals of Latino descent in gnomAD, which may be too common to be a primary cause of disease. Although we suspect that this variant may be benign, at this time, the clinical significance of this variant is uncertain due to the absence of conclusive functional and genetic evidence.

Fulgent Genetics
Classification: Uncertain significance for Nephronophthisis 15. Last evaluated: 2023-12-28. Review status: criteria provided, single submitter. Criteria: ACMG Guidelines, 2015. Collection method: clinical testing. Allele origin: germline.

Labcorp Genetics (formerly Invitae), Labcorp
Classification: Uncertain significance for Nephronophthisis 15. Last evaluated: 2022-10-13. Review status: criteria provided, single submitter. Criteria: Invitae Variant Classification Sherloc (09022015). Collection method: clinical testing. Allele origin: germline.
Comment: This sequence change replaces proline, which is neutral and non-polar, with leucine, which is neutral and non-polar, at codon 498 of the CEP164 protein (p.Pro498Leu). This variant is present in population databases (rs773140295, gnomAD 0.09%). This variant has not been reported in the literature in individuals affected with CEP164-related conditions. ClinVar contains an entry for this variant (Variation ID: 934273). Algorithms developed to predict the effect of missense changes on protein structure and function output the following: SIFT: "Tolerated"; PolyPhen-2: "Benign"; Align-GVGD: "Class C0". The leucine amino acid residue is found in multiple mammalian species, which suggests that this missense change does not adversely affect protein function. In summary, the available evidence is currently insufficient to determine the role of this variant in disease. Therefore, it has been classified as a Variant of Uncertain Significance.